The following is an entry in ClinVar:

NM_052947.4(ALPK2):c.431A>G (p.Glu144Gly)

Gene: ALPK2 (alpha kinase 2; minus strand). Cytogenetic location: 18q21.31.
Variant type: single nucleotide variant.
Coding change: c.431A>G on transcript NM_052947.4 (MANE Select); coding-DNA position 431, A replaced by G.
Protein change: p.Glu144Gly; replaces glutamic acid 144 with glycine.
Molecular consequence: missense variant.
Genome position (GRCh38, 1-based): chr18:58,580,345, T>C on the plus strand (A>G on the coding strand, the complement: ALPK2 is on the minus strand). VCF-style: chr18-58580345-T-C. GRCh37 (hg19) VCF-style: chr18-56247577-T-C.
Other names: short protein forms E144G.
Identifiers: ClinVar variation 3228734 (VCV003228734.1), dbSNP rs2518900255, ClinGen allele CA402567986.

ClinVar aggregate classification (germline): Uncertain significance (1 of 4 stars; one submission).

Submission:

Ambry Genetics
Classification: Uncertain significance. Last evaluated: 2023-12-30. Review status: criteria provided, single submitter. Criteria: Ambry Variant Classification Scheme 2023. Collection method: clinical testing. Allele origin: germline.
Comment: The p.E144G variant (also known as c.431A>G), located in coding exon 3 of the ALPK2 gene, results from an A to G substitution at nucleotide position 431. The glutamic acid at codon 144 is replaced by glycine, an amino acid with similar properties. This amino acid position is conserved. In addition, this alteration is predicted to be tolerated by in silico analysis. Since supporting evidence is limited at this time, the clinical significance of this alteration remains unclear.